The following is an entry in ClinVar:

ClinVar aggregate classification (germline): Conflicting classifications of pathogenicity. Review status: criteria provided, conflicting classifications (1 of 4 stars). 6 submissions from 6 submitters: Uncertain significance (1); Likely benign (5). Last evaluated 2025-11-21.

Conditions:
PLEC-related disorder. Also called: PLEC-related condition; PLEC-related disorders.
Epidermolysis bullosa simplex 5C, with pyloric atresia (EBS5C). Also called: PLEC-Related Epidermolysis Bullosa with Pyloric Atresia; Epidermolysis bullosa simplex with pyloric atresia; PLEC1-Related Epidermolysis Bullosa with Pyloric Atresia. Identifiers: Orphanet 158684, MedGen C2677349, MONDO:0012807, OMIM 612138.
Epidermolysis bullosa simplex with nail dystrophy (EBS5D). Identifiers: MedGen C4225309, MONDO:0014661, OMIM 616487.
Autosomal recessive limb-girdle muscular dystrophy type 2Q (LGMDR17). Also called: MUSCULAR DYSTROPHY, LIMB-GIRDLE, AUTOSOMAL RECESSIVE 17. Identifiers: Orphanet 254361, MedGen C3150989, MONDO:0013390, OMIM 613723.
Epidermolysis bullosa simplex, Ogna type (EBS5A). Also called: Pidermolysis bullosa simplex 5A, Ogna type; EPIDERMOLYSIS BULLOSA SIMPLEX 5A, OGNA TYPE. Identifiers: Orphanet 79401, MedGen C0432317, MONDO:0007555, OMIM 131950.
Epidermolysis bullosa simplex 5B, with muscular dystrophy (EBS5B). Also called: EPIDERMOLYSIS BULLOSA SIMPLEX AND LIMB-GIRDLE MUSCULAR DYSTROPHY; Epidermolysis bullosa simplex with muscular dystrophy. Identifiers: Orphanet 257, MedGen C2931072, MONDO:0009181, OMIM 226670.

Allele frequency attached by ClinVar (database versions not stated): gnomAD 0.00011 and 0.00015; gnomAD exomes 0.00012 and 0.00031; 1000 Genomes Project 30x 0.00016; TOPMed 0.00020; ExAC 0.00054.
gnomAD v4.1: 194 of 1,545,880 alleles (0.013%); highest among the groups gnomAD compares: South Asian, 0.11%; no homozygotes.

Submissions (6):

Labcorp Genetics (formerly Invitae), Labcorp
Classification: Likely benign for Autosomal recessive limb-girdle muscular dystrophy type 2Q; Epidermolysis bullosa simplex, Ogna type; Epidermolysis bullosa simplex with nail dystrophy; Epidermolysis bullosa simplex 5C, with pyloric atresia; Epidermolysis bullosa simplex 5B, with muscular dystrophy. Last evaluated: 2025-11-21. Review status: criteria provided, single submitter. Criteria: Invitae Variant Classification Sherloc (09022015). Collection method: clinical testing. Allele origin: germline.

PreventionGenetics, part of Exact Sciences
Classification: Likely benign for PLEC-related condition. Last evaluated: 2025-05-08. Review status: criteria provided, single submitter. Criteria: ACMG Guidelines, 2015. Collection method: clinical testing. Allele origin: germline.
Comment: This variant is classified as likely benign based on ACMG/AMP sequence variant interpretation guidelines (Richards et al. 2015 PMID: 25741868, with internal and published modifications).

Blueprint Genetics
Classification: Likely benign. Last evaluated: 2024-02-19. Review status: criteria provided, single submitter. Criteria: ACMG Guidelines, 2015. Collection method: clinical testing. Allele origin: germline.

GeneDx
Classification: Likely benign. Last evaluated: 2019-04-01. Review status: criteria provided, single submitter. Criteria: GeneDx Variant Classification Process June 2021. Collection method: clinical testing. Allele origin: germline. Affected: yes.

Athena Diagnostics
Classification: Likely benign. Last evaluated: 2017-02-16. Review status: criteria provided, single submitter. Criteria: Athena Diagnostics Criteria. Collection method: clinical testing. Allele origin: germline.

Eurofins Ntd Llc (ga)
Classification: Uncertain significance. Last evaluated: 2015-09-22. Review status: criteria provided, single submitter. Criteria: EGL Classification Definitions 2015. Collection method: clinical testing. Allele origin: germline. Observed: 1 variant allele, 1 heterozygote.

NM_201384.3(PLEC):c.6240C>T (p.Arg2080=)

Gene: PLEC (plectin; minus strand). Cytogenetic location: 8q24.3.
Variant type: single nucleotide variant.
Coding change: c.6240C>T on transcript NM_201384.3 (MANE Select); coding-DNA position 6240, C replaced by T.
Protein change: p.Arg2080=; no amino-acid change (arginine 2080 retained).
Molecular consequence: synonymous variant.
Genome position (GRCh38, 1-based): chr8:143,923,689, G>A on the plus strand (C>T on the coding strand, the complement: PLEC is on the minus strand). VCF-style: chr8-143923689-G-A. GRCh37 (hg19) VCF-style: chr8-144997857-G-A.
Other names: c.6321C>T, p.Arg2107= (NM_000445.5); c.6198C>T, p.Arg2066= (NM_201378.4); c.6174C>T, p.Arg2058= (NM_201379.3); c.6651C>T, p.Arg2217= (NM_201380.4); c.6144C>T, p.Arg2048= (NM_201381.3); c.6240C>T, p.Arg2080= (NM_201382.4); c.6252C>T, p.Arg2084= (NM_201383.3).
Identifiers: ClinVar variation 283470 (VCV000283470.19), dbSNP rs576688705, ClinGen allele CA4926073.